The following is an entry in ClinVar:

NM_001363711.2(DUOX2):c.2906_2911del (p.Arg969_Thr970del)

Gene: DUOX2 (dual oxidase 2; minus strand). Cytogenetic location: 15q21.1.
Variant type: Deletion.
Coding change: c.2906_2911del on transcript NM_001363711.2 (MANE Select); coding-DNA positions 2906 to 2911, 6 bases deleted (GGACAC; older notation c.2906_2911delGGACAC).
Protein change: p.Arg969_Thr970del.
Molecular consequence: inframe deletion.
Genome position (GRCh38, 1-based): chr15:45,101,215-45,101,220, GTGTCC deleted on the plus strand (GGACAC on the coding strand, the reverse complement: DUOX2 is on the minus strand); deleting any 6 consecutive bases within chr15:45,101,215-45,101,221 gives the same sequence; the c. name uses the placement nearest the transcript's 3' end. VCF-style (leftmost placement, unchanged base first): chr15-45101214-GGTGTCC-G. GRCh37 (hg19) VCF-style: chr15-45393412-GGTGTCC-G.
Other names: c.2906_2911del, p.Arg969_Thr970del (NM_014080.5).
Identifiers: ClinVar variation 2132212 (VCV002132212.4), dbSNP rs2504754894, ClinGen allele CA2580089511.

ClinVar aggregate classification (germline): Uncertain significance (1 of 4 stars; one submission).

Submission:

Labcorp Genetics (formerly Invitae), Labcorp
Classification: Uncertain significance. Last evaluated: 2024-10-16. Review status: criteria provided, single submitter. Criteria: Invitae Variant Classification Sherloc (09022015). Collection method: clinical testing. Allele origin: germline.
Comment: This variant, c.2906_2911del, results in the deletion of 2 amino acid(s) of the DUOX2 protein (p.Arg969_Thr970del), but otherwise preserves the integrity of the reading frame. This variant is not present in population databases (gnomAD no frequency). This variant has not been reported in the literature in individuals affected with DUOX2-related conditions. ClinVar contains an entry for this variant (Variation ID: 2132212). Experimental studies and prediction algorithms are not available or were not evaluated, and the functional significance of this variant is currently unknown. Algorithms developed to predict the effect of sequence changes on RNA splicing suggest that this variant may disrupt the consensus splice site. In summary, the available evidence is currently insufficient to determine the role of this variant in disease. Therefore, it has been classified as a Variant of Uncertain Significance.